The following is an entry in ClinVar:

NM_000426.4(LAMA2):c.3296A>G (p.Asn1099Ser)

Gene: LAMA2 (laminin subunit alpha 2; plus strand). Cytogenetic location: 6q22.33.
Variant type: single nucleotide variant.
Coding change: c.3296A>G on transcript NM_000426.4 (MANE Select); coding-DNA position 3296, A replaced by G.
Protein change: p.Asn1099Ser; replaces asparagine 1099 with serine.
Molecular consequence: missense variant.
Genome position (GRCh38, 1-based): chr6:129,312,982, A>G. VCF-style: chr6-129312982-A-G. GRCh37 (hg19) VCF-style: chr6-129634127-A-G.
Other names: c.3296A>G, p.Asn1099Ser (NM_001079823.2); short protein forms N1099S.
Identifiers: ClinVar variation 129437 (VCV000129437.31), dbSNP rs35065563, ClinGen allele CA153436.

ClinVar aggregate classification (germline): Benign/Likely benign. Review status: criteria provided, multiple submitters, no conflicts (2 of 4 stars). 10 submissions from 10 submitters: Benign (4); Likely benign (4). 2 of the submissions do not count toward it. Last evaluated 2026-01-31.

Conditions:
Merosin deficient congenital muscular dystrophy (MDC1A). Also called: Congenital Muscular Dystrophy Type 1A (MDC1A); Congenital merosin-deficient muscular dystrophy 1A. Identifiers: Orphanet 258, MedGen C1263858, MONDO:0011925, OMIM 607855.
Muscular dystrophy, limb-girdle, autosomal recessive 23. Identifiers: Orphanet 565837, MedGen C4748327, MONDO:0029136, OMIM 618138.
LAMA2-related muscular dystrophy (LAMA2-RD). Also called: Laminin alpha 2-related dystrophy. Identifiers: MedGen C5679788, MONDO:0100228.
Congenital muscular dystrophy due to partial LAMA2 deficiency. Identifiers: MedGen C1842898.
Intellectual disability. Also called: Intellectual developmental disorder; Intellectual functioning disability; intellectual disabilities. Identifiers: MedGen C3714756, MeSH D008607, MONDO:0001071, HP:0001249.

Allele frequency attached by ClinVar (database versions not stated): TOPMed 0.00534; ExAC 0.00169; 1000 Genomes Project 30x 0.00453; 1000 Genomes Project 0.00519; ESP Exome Variant Server 0.00569.
gnomAD v4.1: 1,351 of 1,614,098 alleles (0.084%); highest among the groups gnomAD compares: African/African-American, 1.7%; 19 homozygotes.

Submissions (10):

Labcorp Genetics (formerly Invitae), Labcorp
Classification: Benign for LAMA2-related muscular dystrophy. Last evaluated: 2026-01-31. Review status: criteria provided, single submitter. Criteria: Invitae Variant Classification Sherloc (09022015). Collection method: clinical testing. Allele origin: germline.

Fulgent Genetics
Classification: Benign for Merosin deficient congenital muscular dystrophy; Muscular dystrophy, limb-girdle, autosomal recessive 23. Last evaluated: 2021-11-18. Review status: criteria provided, single submitter. Criteria: ACMG Guidelines, 2015. Collection method: clinical testing. Allele origin: unknown.

Mayo Clinic Laboratories, Mayo Clinic
Classification: Benign. Last evaluated: 2020-02-03. Review status: criteria provided, single submitter. Criteria: ACMG Guidelines, 2015. Collection method: clinical testing. Allele origin: germline. Observed: 4 variant alleles.

GeneDx
Classification: Benign. Last evaluated: 2018-05-11. Review status: criteria provided, single submitter. Criteria: GeneDx Variant Classification (06012015). Collection method: clinical testing. Allele origin: germline. Affected: yes.
Comment: This variant is considered likely benign or benign based on one or more of the following criteria: it is a conservative change, it occurs at a poorly conserved position in the protein, it is predicted to be benign by multiple in silico algorithms, and/or has population frequency not consistent with disease.

Illumina Laboratory Services, Illumina
Classification: Likely benign for Congenital muscular dystrophy due to partial LAMA2 deficiency. Last evaluated: 2018-01-13. Review status: criteria provided, single submitter. Criteria: ICSL Variant Classification Criteria 13 December 2019. Collection method: clinical testing. Allele origin: germline.
Comment: This variant was observed in the ICSL laboratory as part of a predisposition screen in an ostensibly healthy population. It had not been previously curated by ICSL or reported in the Human Gene Mutation Database (HGMD: prior to June 1st, 2018), and was therefore a candidate for classification through an automated scoring system. Utilizing variant allele frequency, disease prevalence and penetrance estimates, and inheritance mode, an automated score was calculated to assess if this variant is too frequent to cause the disease. Based on the score and internal cut-off values, a variant classified as likely benign is not then subjected to further curation. The score for this variant resulted in a classification of likely benign for this disease.

Center for Pediatric Genomic Medicine, Children's Mercy Hospital and Clinics
Classification: Likely benign. Last evaluated: 2017-05-04. Review status: criteria provided, single submitter. Criteria: ACMG Guidelines, 2015. Collection method: clinical testing. Allele origin: germline.

Athena Diagnostics
Classification: Likely benign. Last evaluated: 2017-02-02. Review status: criteria provided, single submitter. Criteria: Athena Diagnostics Criteria. Collection method: clinical testing. Allele origin: germline.

Breakthrough Genomics
Classification: Likely benign. Review status: criteria provided, single submitter. Criteria: ACMG Guidelines, 2015. Collection method: not provided. Allele origin: germline. Inheritance: Autosomal recessive inheritance. Affected: yes.

Centre de Biologie Pathologie Génétique, Centre Hospitalier Universitaire de Lille
Classification: Likely benign for Intellectual disability. Last evaluated: 2019-01-01. Review status: no assertion criteria provided. Collection method: clinical testing. Allele origin: inherited. Affected: yes. Not counted in ClinVar's aggregate classification.

Genetic Services Laboratory, University of Chicago
Classification: Likely benign for AllHighlyPenetrant. Review status: no assertion criteria provided. Collection method: clinical testing. Allele origin: germline. Inheritance: Autosomal recessive inheritance. Not counted in ClinVar's aggregate classification.
Comment: Likely benign based on allele frequency in 1000 Genomes Project or ESP global frequency and its presence in a patient with a rare or unrelated disease phenotype. NOT Sanger confirmed.